The following is an entry in ClinVar:

ClinVar aggregate classification (germline): Likely pathogenic (1 of 4 stars; one submission).

Conditions:
RET-related disorder. Also called: RET-related condition; RET-related disease; RET-related disorders.

Submission:

PreventionGenetics, part of Exact Sciences
Classification: Likely pathogenic for RET-related condition. Last evaluated: 2025-03-13. Review status: criteria provided, single submitter. Criteria: ACMG Guidelines, 2015. Collection method: clinical testing. Allele origin: germline.
Comment: The RET c.77delC variant is predicted to result in a frameshift and premature protein termination (p.Ala26Aspfs*198). To our knowledge, this variant has not been reported in the literature or in a large population database (gnomAD), indicating this variant is rare. Frameshift variants in RET are expected to be pathogenic. This variant is interpreted as likely pathogenic.

NM_020975.6(RET):c.77del (p.Ala26fs)

Gene: RET (ret proto-oncogene; plus strand). Cytogenetic location: 10q11.21.
Variant type: Deletion.
Coding change: c.77del on transcript NM_020975.6 (MANE Select); coding-DNA position 77, one base deleted (C; older notation c.77delC).
Protein change: p.Ala26fs; shifts the reading frame from alanine 26.
Molecular consequence: frameshift variant. On other transcripts: intron variant (4).
Genome position (GRCh38, 1-based): chr10:43,100,462, C deleted. VCF-style (leftmost placement, unchanged base first): chr10-43100461-GC-G. GRCh37 (hg19) VCF-style: chr10-43595909-GC-G.
Other names: c.77del, p.Ala26fs (NM_001406743.1, NM_001406744.1, NM_001406759.1 and 32 more transcripts); c.74-8569del (NM_001406784.1); c.74-11637del (NM_001406794.1, NM_001406792.1, NM_001406793.1); short protein forms A26fs.
Identifiers: ClinVar variation 5000218 (VCV005000218.1).